The following is an entry in ClinVar:

NM_015627.3(LDLRAP1):c.88+17C>T

Genes: LDLRAP1 (low density lipoprotein receptor adaptor protein 1; plus strand), LOC129929773 (ATAC-STARR-seq lymphoblastoid silent region 456; plus strand). Cytogenetic location: 1p36.11.
Variant type: single nucleotide variant.
Coding change: c.88+17C>T on transcript NM_015627.3 (MANE Select); 17 bases into the intron after coding-DNA position 88, C replaced by T.
Molecular consequence: intron variant.
Genome position (GRCh38, 1-based): chr1:25,543,803, C>T. VCF-style: chr1-25543803-C-T. GRCh37 (hg19) VCF-style: chr1-25870294-C-T.
Identifiers: ClinVar variation 2856607 (VCV002856607.4), dbSNP rs1265054012, ClinGen allele CA734408258.

ClinVar aggregate classification (germline): Likely benign. Review status: criteria provided, multiple submitters, no conflicts (2 of 4 stars). 2 submissions from 2 submitters: Likely benign (2). Last evaluated 2024-11-19.

Conditions:
Hypercholesterolemia, familial, 4 (FHCL4). Also called: HYPERCHOLESTEROLEMIA, AUTOSOMAL RECESSIVE, 1; HYPERCHOLESTEROLEMIA, AUTOSOMAL RECESSIVE, 2. Identifiers: Orphanet 391665, MedGen C1863512, MONDO:0011374, OMIM 603813.

Allele frequency attached by ClinVar (database versions not stated): gnomAD 0.00001; TOPMed 0.00002.
gnomAD v4.1: 6 of 1,201,652 alleles (0.0005%); highest among the groups gnomAD compares: Admixed American, 0.0044%; no homozygotes.

Submissions (2):

Women's Health and Genetics/Laboratory Corporation of America, LabCorp
Classification: Likely benign. Last evaluated: 2024-11-19. Review status: criteria provided, single submitter. Criteria: LabCorp Variant Classification Summary - May 2015. Collection method: clinical testing. Allele origin: germline.
Comment: Variant summary: LDLRAP1 c.88+17C>T alters a non-conserved nucleotide located at a position not widely known to affect splicing. Consensus agreement among computation tools predict no significant impact on normal splicing. However, these predictions have yet to be confirmed by functional studies. The frequency data for this variant in gnomAD is considered unreliable, as metrics indicate poor data quality at this position. To our knowledge, no occurrence of c.88+17C>T in individuals affected with Familial Hypercholesterolemia and no experimental evidence demonstrating its impact on protein function have been reported. ClinVar contains an entry for this variant (Variation ID: 2856607). Based on the evidence outlined above, the variant was classified as likely benign.

Labcorp Genetics (formerly Invitae), Labcorp
Classification: Likely benign for Hypercholesterolemia, familial, 4. Last evaluated: 2024-02-18. Review status: criteria provided, single submitter. Criteria: Invitae Variant Classification Sherloc (09022015). Collection method: clinical testing. Allele origin: germline.